The following is an entry in ClinVar:

NM_014391.3(ANKRD1):c.346-36T>C

Gene: ANKRD1 (ankyrin repeat domain 1; minus strand). Cytogenetic location: 10q23.31.
Variant type: single nucleotide variant.
Coding change: c.346-36T>C on transcript NM_014391.3 (MANE Select); 36 bases into the intron before coding-DNA position 346, T replaced by C.
Molecular consequence: intron variant.
Genome position (GRCh38, 1-based): chr10:90,919,008, A>G on the plus strand (T>C on the coding strand, the complement: ANKRD1 is on the minus strand). VCF-style: chr10-90919008-A-G. GRCh37 (hg19) VCF-style: chr10-92678765-A-G.
Other names: c.346-36T>C (NM_014391.2).
Identifiers: ClinVar variation 1273784 (VCV001273784.4), dbSNP rs56177217, ClinGen allele CA5598779.

ClinVar aggregate classification (germline): Benign. Review status: criteria provided, multiple submitters, no conflicts (2 of 4 stars). 3 submissions from 3 submitters: Benign (2). 1 of the submissions does not count toward it. Last evaluated 2019-08-10.

Conditions:
ANKRD1-related disorder. Also called: ANKRD1-related condition.

Allele frequency attached by ClinVar (database versions not stated): 1000 Genomes Project 30x 0.37305; TOPMed 0.39026; gnomAD 0.43836 and 0.44530; 1000 Genomes Project 0.44109; gnomAD exomes 0.61888; ExAC 0.64761.

Submissions (3):

GeneDx
Classification: Benign. Last evaluated: 2019-08-10. Review status: criteria provided, single submitter. Criteria: GeneDx Variant Classification Process June 2021. Collection method: clinical testing. Allele origin: germline. Affected: yes.

Breakthrough Genomics
Classification: Benign. Review status: criteria provided, single submitter. Criteria: ACMG Guidelines, 2015. Collection method: not provided. Allele origin: germline. Inheritance: Unknown mechanism. Affected: yes.

PreventionGenetics, part of Exact Sciences
Classification: Benign for ANKRD1-related condition. Last evaluated: 2022-07-03. Review status: no assertion criteria provided. Collection method: clinical testing. Allele origin: germline. Not counted in ClinVar's aggregate classification.
Comment: This variant is classified as benign based on ACMG/AMP sequence variant interpretation guidelines (Richards et al. 2015 PMID: 25741868, with internal and published modifications).